The following is an entry in ClinVar:

NM_001077350.3(NPRL3):c.1226A>G (p.Tyr409Cys)

Genes: HBA-LCR (alpha-globin locus control region; plus strand), NPRL3 (NPR3 like, GATOR1 complex subunit; minus strand). Cytogenetic location: 16p13.3.
Variant type: single nucleotide variant.
Coding change: c.1226A>G on transcript NM_001077350.3 (MANE Select); coding-DNA position 1226, A replaced by G.
Protein change: p.Tyr409Cys; replaces tyrosine 409 with cysteine.
Molecular consequence: missense variant.
Genome position (GRCh38, 1-based): chr16:89,838, T>C on the plus strand (A>G on the coding strand, the complement: NPRL3 is on the minus strand). VCF-style: chr16-89838-T-C. GRCh37 (hg19) VCF-style: chr16-139836-T-C.
Other names: c.689A>G, p.Tyr230Cys (NM_001039476.3); c.992A>G, p.Tyr331Cys (NM_001243247.2); c.1151A>G, p.Tyr384Cys (NM_001243248.2, NM_001243249.2); short protein forms Y230C, Y331C, Y384C, Y409C.
Identifiers: ClinVar variation 843565 (VCV000843565.10), dbSNP rs775053528, ClinGen allele CA7769409.

ClinVar aggregate classification (germline): Uncertain significance. Review status: criteria provided, multiple submitters, no conflicts (2 of 4 stars). 2 submissions from 2 submitters: Uncertain significance (2). Last evaluated 2024-12-08.

Conditions:
Inborn genetic diseases. Identifiers: MedGen C0950123, MeSH D030342.
Epilepsy, familial focal, with variable foci 3 (FFEVF3). Identifiers: MedGen C4310708, MONDO:0014925, OMIM 617118.

Allele frequency attached by ClinVar (database versions not stated): gnomAD exomes 0.00004 and 0.00005; TOPMed 0.00002; ExAC 0.00017.
gnomAD v4.1: 60 of 1,580,562 alleles (0.0038%); highest among the groups gnomAD compares: Non-Finnish European, 0.0048%; no homozygotes.

Submissions (2):

Labcorp Genetics (formerly Invitae), Labcorp
Classification: Uncertain significance for Epilepsy, familial focal, with variable foci 3. Last evaluated: 2024-12-08. Review status: criteria provided, single submitter. Criteria: Invitae Variant Classification Sherloc (09022015). Collection method: clinical testing. Allele origin: germline.
Comment: This sequence change replaces tyrosine, which is neutral and polar, with cysteine, which is neutral and slightly polar, at codon 409 of the NPRL3 protein (p.Tyr409Cys). This variant is present in population databases (rs775053528, gnomAD 0.01%). This variant has not been reported in the literature in individuals affected with NPRL3-related conditions. ClinVar contains an entry for this variant (Variation ID: 843565). Invitae Evidence Modeling of protein sequence and biophysical properties (such as structural, functional, and spatial information, amino acid conservation, physicochemical variation, residue mobility, and thermodynamic stability) indicates that this missense variant is expected to disrupt NPRL3 protein function with a positive predictive value of 80%. In summary, the available evidence is currently insufficient to determine the role of this variant in disease. Therefore, it has been classified as a Variant of Uncertain Significance.

Ambry Genetics
Classification: Uncertain significance for Inborn genetic diseases. Last evaluated: 2021-11-09. Review status: criteria provided, single submitter. Criteria: Ambry Variant Classification Scheme 2023. Collection method: clinical testing. Allele origin: germline.